The following is an entry in ClinVar:

ClinVar aggregate classification (germline): Uncertain significance. Review status: criteria provided, multiple submitters, no conflicts (2 of 4 stars). 5 submissions from 5 submitters: Uncertain significance (5). Last evaluated 2024-04-26.

Conditions:
Aneurysm-osteoarthritis syndrome. Also called: ANEURYSMS-OSTEOARTHRITIS SYNDROME; LOEYS-DIETZ SYNDROME WITH OSTEOARTHRITIS; Loeys-Dietz syndrome, type 1C; SMAD3-Related Loeys-Dietz Syndrome. Identifiers: Orphanet 284984, MedGen C3151087, MONDO:0013426, OMIM 613795.
Familial thoracic aortic aneurysm and aortic dissection (TAAD). Also called: Thoracic aortic aneurysms and dissections. Identifiers: Orphanet 91387, MedGen C4707243, MONDO:0019625.

Allele frequency attached by ClinVar (database versions not stated): ExAC 0.00001; gnomAD exomes 0.00001.
gnomAD v4.1: 8 of 1,613,274 alleles (0.0005%); highest among the groups gnomAD compares: Non-Finnish European, 0.00068%; no homozygotes.

Submissions (5):

Blueprint Genetics
Classification: Uncertain significance. Last evaluated: 2024-04-26. Review status: criteria provided, single submitter. Criteria: ACMG Guidelines, 2015. Collection method: clinical testing. Allele origin: germline.

All of Us Research Program, National Institutes of Health
Classification: Uncertain significance for Aneurysm-osteoarthritis syndrome. Last evaluated: 2024-02-22. Review status: criteria provided, single submitter. Criteria: ACMG Guidelines, 2015. Collection method: clinical testing. Allele origin: germline. Inheritance: Autosomal dominant inheritance. Observed: 4 variant alleles, 4 heterozygotes.
Comment: This missense variant replaces asparagine with aspartic acid at codon 59 of the SMAD3 protein. Computational prediction suggests that this variant may not impact protein structure and function (internally defined REVEL score threshold <= 0.5, PMID: 27666373). To our knowledge, functional studies have not been reported for this variant. This variant has not been reported in individuals affected with cardiovascular disorders in the literature. This variant has been identified in 2/249272 chromosomes in the general population by the Genome Aggregation Database (gnomAD). The available evidence is insufficient to determine the role of this variant in disease conclusively. Therefore, this variant is classified as a Variant of Uncertain Significance.

This study involves interpretation of variants in research participants for the purpose of population health screening. Participant phenotype was not available at the time of variant classification. Additional details can be found in publication PMID: 35346344, PMCID: PMC8962531

Color Diagnostics, LLC DBA Color Health
Classification: Uncertain significance for Familial thoracic aortic aneurysm and aortic dissection. Last evaluated: 2024-01-31. Review status: criteria provided, single submitter. Criteria: ACMG Guidelines, 2015. Collection method: clinical testing. Allele origin: germline.
Comment: This missense variant replaces asparagine with aspartic acid at codon 59 of the SMAD3 protein. Computational prediction tools indicate that this variant has a neutral impact on protein structure and function. To our knowledge, functional studies have not been reported for this variant. This variant has not been reported in individuals affected with SMAD3-related disorders in the literature. This variant has been identified in 2/249272 chromosomes in the general population by the Genome Aggregation Database (gnomAD). The available evidence is insufficient to determine the role of this variant in disease conclusively. Therefore, this variant is classified as a Variant of Uncertain Significance.

Labcorp Genetics (formerly Invitae), Labcorp
Classification: Uncertain significance for Familial thoracic aortic aneurysm and aortic dissection. Last evaluated: 2022-04-17. Review status: criteria provided, single submitter. Criteria: Invitae Variant Classification Sherloc (09022015). Collection method: clinical testing. Allele origin: germline.
Comment: This sequence change replaces asparagine, which is neutral and polar, with aspartic acid, which is acidic and polar, at codon 59 of the SMAD3 protein (p.Asn59Asp). This variant is present in population databases (rs745387614, gnomAD 0.002%). This missense change has been observed in individual(s) with clinical features of SMAD3-related conditions (Invitae). ClinVar contains an entry for this variant (Variation ID: 373708). Advanced modeling of protein sequence and biophysical properties (such as structural, functional, and spatial information, amino acid conservation, physicochemical variation, residue mobility, and thermodynamic stability) performed at Invitae indicates that this missense variant is not expected to disrupt SMAD3 protein function. In summary, the available evidence is currently insufficient to determine the role of this variant in disease. Therefore, it has been classified as a Variant of Uncertain Significance.

GeneDx
Classification: Uncertain significance. Last evaluated: 2016-12-08. Review status: criteria provided, single submitter. Criteria: GeneDx Variant Classification (06012015). Collection method: clinical testing. Allele origin: germline. Affected: yes.
Comment: A variant of uncertain significance has been identified in the SMAD3 gene. The N59D variant has not been published as a pathogenic variant, nor has it been reported as a benign variant to our knowledge. The N59D variant was not observed in approximately 6500 individuals of European and African American ancestry in the NHLBI Exome Sequencing Project, indicating it is not a common benign variant in these populations. The N59D variant is a semi-conservative amino acid substitution, which may impact secondary protein structure as these residues differ in some properties. Though this substitution occurs at a position where amino acids with similar properties to asparagine are tolerated across species, D59 does not seem to be tolerated across species. Lastly, in silico analysis is inconsistent in its predictions as to whether or not the variant is damaging to the protein structure/function.

NM_005902.4(SMAD3):c.175A>G (p.Asn59Asp)

Gene: SMAD3 (SMAD family member 3; plus strand). Cytogenetic location: 15q22.33.
Variant type: single nucleotide variant.
Coding change: c.175A>G on transcript NM_005902.4 (MANE Select); coding-DNA position 175, A replaced by G.
Protein change: p.Asn59Asp; replaces asparagine 59 with aspartic acid.
Molecular consequence: missense variant.
Genome position (GRCh38, 1-based): chr15:67,066,329, A>G. VCF-style: chr15-67066329-A-G. GRCh37 (hg19) VCF-style: chr15-67358667-A-G.
Other names: short protein forms N59D.
Identifiers: ClinVar variation 373708 (VCV000373708.9), dbSNP rs745387614, ClinGen allele CA061777.